The following is an entry in ClinVar:

NM_000322.5(PRPH2):c.828+6C>T

Gene: PRPH2 (peripherin 2; minus strand). Cytogenetic location: 6p21.1.
Variant type: single nucleotide variant.
Coding change: c.828+6C>T on transcript NM_000322.5 (MANE Select); 6 bases into the intron after coding-DNA position 828, C replaced by T.
Molecular consequence: intron variant.
Genome position (GRCh38, 1-based): chr6:42,704,359, G>A on the plus strand (C>T on the coding strand, the complement: PRPH2 is on the minus strand). VCF-style: chr6-42704359-G-A. GRCh37 (hg19) VCF-style: chr6-42672097-G-A.
Identifiers: ClinVar variation 1369007 (VCV001369007.7), dbSNP rs564177869, ClinGen allele CA3808529.

ClinVar aggregate classification (germline): Conflicting classifications of pathogenicity. Review status: criteria provided, conflicting classifications (1 of 4 stars). 2 submissions from 2 submitters: Uncertain significance (1); Likely benign (1). Last evaluated 2022-11-07.

Conditions:
PRPH2-related disorder. Also called: PRPH2-related disorders; PRPH2-related condition. Identifiers: MedGen CN239395.

Allele frequency attached by ClinVar (database versions not stated): gnomAD exomes below 0.00001; TOPMed below 0.00001; gnomAD 0.00001 and 0.00002; 1000 Genomes Project 0.00020; 1000 Genomes Project 30x 0.00031.

Submissions (2):

Blueprint Genetics
Classification: Likely benign. Last evaluated: 2022-11-07. Review status: criteria provided, single submitter. Criteria: ACMG Guidelines, 2015. Collection method: clinical testing. Allele origin: germline.

Labcorp Genetics (formerly Invitae), Labcorp
Classification: Uncertain significance for PRPH2-related disorder. Last evaluated: 2021-08-03. Review status: criteria provided, single submitter. Criteria: Invitae Variant Classification Sherloc (09022015). Collection method: clinical testing. Allele origin: germline.
Comment: In summary, the available evidence is currently insufficient to determine the role of this variant in disease. Therefore, it has been classified as a Variant of Uncertain Significance. Variants that disrupts the consensus splice site are a relatively common cause of aberrant splicing (PMID: 17576681, 9536098). Algorithms developed to predict the effect of sequence changes on RNA splicing suggest that this variant is not likely to affect RNA splicing. This variant has been observed in individual(s) with autosomal dominant retinitis pigmentosa (Invitae). The frequency data for this variant in the population databases is considered unreliable, as metrics indicate poor data quality at this position in the ExAC database. This sequence change falls in intron 2 of the PRPH2 gene. It does not directly change the encoded amino acid sequence of the PRPH2 protein. It affects a nucleotide within the consensus splice site of the intron.

Literature cited by the submitters: PubMed 17576681 (cited by Labcorp Genetics (formerly Invitae), Labcorp); PubMed 9536098 (cited by Labcorp Genetics (formerly Invitae), Labcorp).